The following is an entry in ClinVar:

ClinVar aggregate classification (germline): Uncertain significance. Review status: criteria provided, multiple submitters, no conflicts (2 of 4 stars). 2 submissions from 2 submitters: Uncertain significance (2). Last evaluated 2025-11-01.

Conditions:
HDAC4-related disorder. Also called: HDAC4-related condition.

Submissions (2):

CeGaT Center for Human Genetics Tuebingen
Classification: Uncertain significance. Last evaluated: 2025-11-01. Review status: criteria provided, single submitter. Criteria: CeGaT Center For Human Genetics Tuebingen Variant Classification Criteria Version 2. Collection method: clinical testing. Allele origin: germline. Affected: yes. Observed: 1 variant allele.
Comment: HDAC4: PM2

PreventionGenetics, part of Exact Sciences
Classification: Uncertain significance for HDAC4-related condition. Last evaluated: 2023-09-13. Review status: criteria provided, single submitter. Criteria: ACMG Guidelines, 2015. Collection method: clinical testing. Allele origin: germline.
Comment: The HDAC4 c.46C>G variant is predicted to result in the amino acid substitution p.Pro16Ala. To our knowledge, this variant has not been reported in the literature or in a large population database, indicating this variant is rare. At this time, the clinical significance of this variant is uncertain due to the absence of conclusive functional and genetic evidence.

NM_001378414.1(HDAC4):c.46C>G (p.Pro16Ala)

Gene: HDAC4 (histone deacetylase 4; minus strand). Cytogenetic location: 2q37.3.
Variant type: single nucleotide variant.
Coding change: c.46C>G on transcript NM_001378414.1 (MANE Select); coding-DNA position 46, C replaced by G.
Protein change: p.Pro16Ala; replaces proline 16 with alanine.
Molecular consequence: missense variant.
Genome position (GRCh38, 1-based): chr2:239,236,641, G>C on the plus strand (C>G on the coding strand, the complement: HDAC4 is on the minus strand). VCF-style: chr2-239236641-G-C. GRCh37 (hg19) VCF-style: chr2-240158337-G-C.
Other names: c.46C>G, p.Pro16Ala (NM_001378415.1, NM_001378416.1, NM_001378417.1 and 1 more transcripts); short protein forms P16A.
Identifiers: ClinVar variation 2631581 (VCV002631581.7), dbSNP rs2474801435, ClinGen allele CA351463583.